The following is an entry in ClinVar:

NM_006348.5(COG5):c.2327A>G (p.Gln776Arg)

Gene: COG5 (component of oligomeric golgi complex 5; minus strand). Cytogenetic location: 7q22.3.
Variant type: single nucleotide variant.
Coding change: c.2327A>G on transcript NM_006348.5 (MANE Select); coding-DNA position 2327, A replaced by G.
Protein change: p.Gln776Arg; replaces glutamine 776 with arginine.
Molecular consequence: missense variant. On other transcripts: intron variant (1).
Genome position (GRCh38, 1-based): chr7:107,210,574, T>C on the plus strand (A>G on the coding strand, the complement: COG5 is on the minus strand). VCF-style: chr7-107210574-T-C. GRCh37 (hg19) VCF-style: chr7-106851019-T-C.
Other names: c.2327A>G, p.Gln776Arg (NM_001161520.2); c.2165A>G, p.Gln722Arg (NM_001379511.1); c.2153A>G, p.Gln718Arg (NM_001379512.1); c.2012A>G, p.Gln671Arg (NM_001379514.1); c.1757A>G, p.Gln586Arg (NM_001379515.1); c.1613A>G, p.Gln538Arg (NM_001379516.1); c.2264A>G, p.Gln755Arg (NM_181733.4); c.2169-6944A>G (NM_001379513.1); short protein forms Q807R, Q755R, Q538R, Q586R, Q671R, Q722R, Q776R, Q718R.
Identifiers: ClinVar variation 358452 (VCV000358452.11), dbSNP rs149616917, ClinGen allele CA4430602.
Genomic context (GRCh38, chr7:107,210,574, plus strand): 5'-ACCTGGCTTTACCTGATGAGGAGGAGCCTGTCCTTTTCAGATGGATGGTCATCCAGCCAC[T>C]GAGAGAAGCGTGTGTGGGACCACTCTGCCCTCTGCAGGGTTGAAACACAATTAGAGAGAG-3'
Protein context (NP_006339.4, residues 766-786): RAEWSHTRFS[Gln776Arg]WLDDHPSEKD

ClinVar aggregate classification (germline): Uncertain significance. Review status: criteria provided, multiple submitters, no conflicts (2 of 4 stars). 3 submissions from 3 submitters: Uncertain significance (3). Last evaluated 2024-02-05.

Conditions:
Inborn genetic diseases. Identifiers: MedGen C0950123, MeSH D030342.
COG5-congenital disorder of glycosylation. Also called: CONGENITAL DISORDER OF GLYCOSYLATION, TYPE IIi; CDG IIi; COG5-CDG. Identifiers: Orphanet 263487, MedGen C3150876, MONDO:0013325, OMIM 613612.

Allele frequency attached by ClinVar (database versions not stated): gnomAD 0.00002 and 0.00003; ExAC 0.00003; TOPMed 0.00004; gnomAD exomes 0.00005 and 0.00006; 1000 Genomes Project 30x 0.00016; 1000 Genomes Project 0.00020.
gnomAD v4.1: 79 of 1,605,366 alleles (0.0049%); highest among the groups gnomAD compares: East Asian, 0.094%; no homozygotes.

Submissions (3):

Ambry Genetics
Classification: Uncertain significance for Inborn genetic diseases. Last evaluated: 2024-02-05. Review status: criteria provided, single submitter. Criteria: Ambry Variant Classification Scheme 2023. Collection method: clinical testing. Allele origin: germline.

Fulgent Genetics
Classification: Uncertain significance for COG5-congenital disorder of glycosylation. Last evaluated: 2024-01-26. Review status: criteria provided, single submitter. Criteria: ACMG Guidelines, 2015. Collection method: clinical testing. Allele origin: germline.

Labcorp Genetics (formerly Invitae), Labcorp
Classification: Uncertain significance for COG5-congenital disorder of glycosylation. Last evaluated: 2022-06-03. Review status: criteria provided, single submitter. Criteria: Invitae Variant Classification Sherloc (09022015). Collection method: clinical testing. Allele origin: germline.
Comment: This sequence change replaces glutamine, which is neutral and polar, with arginine, which is basic and polar, at codon 807 of the COG5 protein (p.Gln807Arg). This variant is present in population databases (rs149616917, gnomAD 0.05%). This variant has not been reported in the literature in individuals affected with COG5-related conditions. ClinVar contains an entry for this variant (Variation ID: 358452). Algorithms developed to predict the effect of missense changes on protein structure and function (SIFT, PolyPhen-2, Align-GVGD) all suggest that this variant is likely to be tolerated. In summary, the available evidence is currently insufficient to determine the role of this variant in disease. Therefore, it has been classified as a Variant of Uncertain Significance.